The following is an entry in ClinVar:

ClinVar aggregate classification (germline): Pathogenic (1 of 4 stars; one submission).

Conditions:
Smith-Lemli-Opitz syndrome (SLOS). Also called: LETHAL ACRODYSGENITAL SYNDROME; POLYDACTYLY, SEX REVERSAL, RENAL HYPOPLASIA, AND UNILOBAR LUNG; RSH SYNDROME; RUTLEDGE LETHAL MULTIPLE CONGENITAL ANOMALY SYNDROME; 7-Dehydrocholesterol reductase deficiency. Identifiers: Orphanet 818, MedGen C0175694, MONDO:0010035, OMIM 270400.

Submission:

Myriad Genetics, Inc.
Classification: Pathogenic for Smith-Lemli-Opitz syndrome. Last evaluated: 2025-04-07. Review status: criteria provided, single submitter. Criteria: Myriad Autosomal Dominant, Autosomal Recessive and X-Linked Classification Criteria (2023). Collection method: clinical testing. Allele origin: unknown.
Comment: NM_001360.2(DHCR7):c.60delTinsAA(N20Kfs*43) is expected to be pathogenic in the context of Smith-Lemli-Opitz syndrome. This variant is predicted to lead to an abnormal or absent protein product due to the creation of a premature termination codon in DHCR7, a gene where loss-of-function variants are known to be pathogenic. Please note: this variant was assessed in the context of healthy population screening.

NM_001360.3(DHCR7):c.60delinsAA (p.Asn20fs)

Gene: DHCR7 (7-dehydrocholesterol reductase; minus strand). Cytogenetic location: 11q13.4.
Variant type: Indel.
Coding change: c.60delinsAA on transcript NM_001360.3 (MANE Select); coding-DNA position 60, T replaced by AA.
Protein change: p.Asn20fs; shifts the reading frame from asparagine 20.
Molecular consequence: frameshift variant. On other transcripts: 5 prime UTR variant (1).
Genome position (GRCh38, 1-based): chr11:71,444,893, A replaced by TT on the plus strand (T replaced by AA on the coding strand, the reverse complement: DHCR7 is on the minus strand). VCF-style: chr11-71444893-A-TT. GRCh37 (hg19) VCF-style: chr11-71155939-A-TT.
Other names: c.60delinsAA, p.Asn20fs (NM_001163817.2, NM_001425107.1, NM_001425108.1 and 11 more transcripts); c.-186delinsAA (NM_001425117.1); short protein forms N20fs.
Identifiers: ClinVar variation 5015770 (VCV005015770.1).
Genomic context (GRCh38, chr11:71,444,893, plus strand): 5'-GGAGAACAGGCAAGATCCTTACCAGGCACGGCCCCACTGCCCTTGAGATGCGGTTCTGTC[A>TT]TTGGTGACGCCATCTAGACTCTTGGCTTTGGGAATGTTGGGTTGCGATTTTGCAGCCATT-3'